The following is an entry in ClinVar:

NM_005629.4(SLC6A8):c.527_529del (p.Trp176_Asn177delinsTyr)

Gene: SLC6A8 (solute carrier family 6 member 8; plus strand). Cytogenetic location: Xq28.
Variant type: Deletion.
Coding change: c.527_529del on transcript NM_005629.4 (MANE Select); coding-DNA positions 527 to 529, 3 bases deleted (GGA; older notation c.527_529delGGA).
Protein change: p.Trp176_Asn177delinsTyr.
Molecular consequence: inframe indel.
Genome position (GRCh38, 1-based): chrX:153,691,436-153,691,438, GGA deleted. VCF-style (leftmost placement, unchanged base first): chrX-153691435-TGGA-T. GRCh37 (hg19) VCF-style: chrX-152956890-TGGA-T.
Other names: c.182_184del, p.Trp61_Asn62delinsTyr (NM_001142806.1); c.527_529del, p.Trp176_Asn177delinsTyr (NM_001142805.2).
Identifiers: ClinVar variation 2572641 (VCV002572641.1), dbSNP rs2522156161, ClinGen allele CA2580612315.

ClinVar aggregate classification (germline): Likely pathogenic (1 of 4 stars; one submission).

Conditions:
Creatine transporter deficiency (CCDS1). Also called: CEREBRAL CREATINE DEFICIENCY SYNDROME 1; Creatine Transporter (CRTR) Deficiency; Mental retardation , X-linked with seizures, short stature and midface hypoplasia; Mental retardation , X-linked, with creatine transport deficiency; X-linked creatine transporter deficiency; X-linked creatine deficiency syndrome. Identifiers: Orphanet 52503, MedGen C1845862, MONDO:0010305, OMIM 300352.

Submission:

Laboratory of Medical Genetics, National & Kapodistrian University of Athens
Classification: Likely pathogenic for Creatine transporter deficiency. Last evaluated: 2023-05-17. Review status: criteria provided, single submitter. Criteria: ACMG Guidelines, 2015. Collection method: clinical testing. Allele origin: germline. Affected: yes.
Comment: PM2, PM4, PP4